The following is an entry in ClinVar:

ClinVar aggregate classification (germline): Likely pathogenic (1 of 4 stars; one submission).

Conditions:
Ayme-Gripp syndrome. Also called: Aymé-Gripp Syndrome. Identifiers: MedGen C1832812, MONDO:0010992, OMIM 601088.

Submission:

Institute of Human Genetics, University of Leipzig Medical Center
Classification: Likely pathogenic for Ayme-Gripp syndrome. Last evaluated: 2026-03-16. Review status: criteria provided, single submitter. Criteria: ACMG Guidelines, 2015. Collection method: clinical testing. Allele origin: paternal. Inheritance: Autosomal dominant inheritance. Affected: yes.
Comment: Criteria applied: PM1,PM2,PS4_SUP,PP2,PP3

NM_005360.5(MAF):c.878G>T (p.Arg293Met)

Gene: MAF (MAF bZIP transcription factor; minus strand). Cytogenetic location: 16q23.2.
Variant type: single nucleotide variant.
Coding change: c.878G>T on transcript NM_005360.5 (MANE Select); coding-DNA position 878, G replaced by T.
Protein change: p.Arg293Met; replaces arginine 293 with methionine.
Molecular consequence: missense variant.
Genome position (GRCh38, 1-based): chr16:79,599,025, C>A on the plus strand (G>T on the coding strand, the complement: MAF is on the minus strand). VCF-style: chr16-79599025-C-A. GRCh37 (hg19) VCF-style: chr16-79632922-C-A.
Other names: c.878G>T, p.Arg293Met (NM_001031804.3); short protein forms R293M.
Identifiers: ClinVar variation 4530597 (VCV004530597.2).